The following is an entry in ClinVar:

NM_032444.4(SLX4):c.2185G>A (p.Val729Ile)

Gene: SLX4 (SLX4 structure-specific endonuclease subunit; minus strand). Cytogenetic location: 16p13.3.
Variant type: single nucleotide variant.
Coding change: c.2185G>A on transcript NM_032444.4 (MANE Select); coding-DNA position 2185, G replaced by A.
Protein change: p.Val729Ile; replaces valine 729 with isoleucine.
Molecular consequence: missense variant.
Genome position (GRCh38, 1-based): chr16:3,592,841, C>T on the plus strand (G>A on the coding strand, the complement: SLX4 is on the minus strand). VCF-style: chr16-3592841-C-T. GRCh37 (hg19) VCF-style: chr16-3642842-C-T.
Other names: short protein forms V729I.
Identifiers: ClinVar variation 2712583 (VCV002712583.2), dbSNP rs1434109620, ClinGen allele CA394525128.

ClinVar aggregate classification (germline): Uncertain significance (1 of 4 stars; one submission).

Conditions:
Fanconi anemia (FA). Also called: Fanconi's anemia. Identifiers: Orphanet 84, MedGen C0015625, MeSH D005199, MONDO:0019391.

Allele frequency attached by ClinVar (database versions not stated): gnomAD exomes below 0.00001; TOPMed below 0.00001.
gnomAD v4.1: 1 of 1,612,000 alleles (0.000062%); highest among the groups gnomAD compares: Non-Finnish European, 0.000085%; no homozygotes.

Submission:

Labcorp Genetics (formerly Invitae), Labcorp
Classification: Uncertain significance for Fanconi anemia. Last evaluated: 2024-07-30. Review status: criteria provided, single submitter. Criteria: Invitae Variant Classification Sherloc (09022015). Collection method: clinical testing. Allele origin: germline.
Comment: This sequence change replaces valine, which is neutral and non-polar, with isoleucine, which is neutral and non-polar, at codon 729 of the SLX4 protein (p.Val729Ile). This variant is not present in population databases (gnomAD no frequency). This variant has not been reported in the literature in individuals affected with SLX4-related conditions. An algorithm developed to predict the effect of missense changes on protein structure and function outputs the following: PolyPhen-2: "Benign". The isoleucine amino acid residue is found in multiple mammalian species, which suggests that this missense change does not adversely affect protein function. In summary, the available evidence is currently insufficient to determine the role of this variant in disease. Therefore, it has been classified as a Variant of Uncertain Significance.